The following is an entry in ClinVar:

ClinVar aggregate classification (germline): Benign (1 of 4 stars; one submission).

Conditions:
Acrocallosal syndrome (ACLS). Also called: HALLUX DUPLICATION, POSTAXIAL POLYDACTYLY, AND ABSENCE OF CORPUS CALLOSUM; Schinzel syndrome 1; Absence of corpus callosum with unusual facial appearance, mental deficiency, duplication of the halluces and polydactyly. Identifiers: Orphanet 36, MedGen C0796147, MONDO:0008708, OMIM 200990.

Allele frequency attached by ClinVar (database versions not stated): gnomAD 0.00753 and 0.00808; TOPMed 0.00878; 1000 Genomes Project 0.00978; 1000 Genomes Project 30x 0.01062.

Submission:

Illumina Laboratory Services, Illumina
Classification: Benign for Acrocallosal syndrome. Last evaluated: 2018-01-13. Review status: criteria provided, single submitter. Criteria: ICSL Variant Classification Criteria 13 December 2019. Collection method: clinical testing. Allele origin: germline.
Comment: This variant was observed in the ICSL laboratory as part of a predisposition screen in an ostensibly healthy population. It had not been previously curated by ICSL or reported in the Human Gene Mutation Database (HGMD: prior to June 1st, 2018), and was therefore a candidate for classification through an automated scoring system. Utilizing variant allele frequency, disease prevalence and penetrance estimates, and inheritance mode, an automated score was calculated to assess if this variant is too frequent to cause the disease. Based on the score and internal cut-off values, a variant classified as benign is not then subjected to further curation. The score for this variant resulted in a classification of benign for this disease.

NM_198525.3(KIF7):c.-52G>T

Gene: KIF7 (kinesin family member 7; minus strand). Cytogenetic location: 15q26.1.
Variant type: single nucleotide variant.
Coding change: c.-52G>T on transcript NM_198525.3 (MANE Select); 52 bases upstream of the start codon, G replaced by T.
Molecular consequence: 5 prime UTR variant.
Genome position (GRCh38, 1-based): chr15:89,655,426, C>A on the plus strand (G>T on the coding strand, the complement: KIF7 is on the minus strand). VCF-style: chr15-89655426-C-A. GRCh37 (hg19) VCF-style: chr15-90198657-C-A.
Identifiers: ClinVar variation 317383 (VCV000317383.5), dbSNP rs116805116, ClinGen allele CA10636671.